The following is an entry in ClinVar:

NM_000135.4(FANCA):c.1471-1G>T

Gene: FANCA (FA complementation group A; minus strand). Cytogenetic location: 16q24.3.
Variant type: single nucleotide variant.
Coding change: c.1471-1G>T on transcript NM_000135.4 (MANE Select); the canonical splice acceptor site of the intron before coding-DNA position 1471, G replaced by T.
Molecular consequence: splice acceptor variant.
Genome position (GRCh38, 1-based): chr16:89,783,103, C>A on the plus strand (G>T on the coding strand, the complement: FANCA is on the minus strand). VCF-style: chr16-89783103-C-A. GRCh37 (hg19) VCF-style: chr16-89849511-C-A.
Other names: c.1471-1G>T (NM_001286167.3).
Identifiers: ClinVar variation 974221 (VCV000974221.2), dbSNP rs2039777078, ClinGen allele CA397458327.

ClinVar aggregate classification (germline): Pathogenic. Review status: criteria provided, single submitter (1 of 4 stars). 2 submissions from 2 submitters: Pathogenic (1). 1 of the submissions does not count toward it. Last evaluated 2022-12-20.

Conditions:
Fanconi anemia complementation group A (FANCA). Also called: Fanconi anemia, group A; FANCA-Related Fanconi Anemia. Identifiers: Orphanet 84, MedGen C3469521, MONDO:0009215, OMIM 227650.

Submissions (2):

Baylor Genetics
Classification: Pathogenic for Fanconi anemia complementation group A. Last evaluated: 2022-12-20. Review status: criteria provided, single submitter. Criteria: ACMG Guidelines, 2015. Collection method: clinical testing. Allele origin: unknown.

Leiden Open Variation Database
Classification: Likely pathogenic. Last evaluated: 2020-02-28. Review status: no assertion criteria provided. Collection method: curation. Allele origin: germline. Affected: yes. Not counted in ClinVar's aggregate classification.
Comment: Curator: Arleen D. Auerbach. Submitters to LOVD: Arleen D. Auerbach, Mathias Schwartz.

Literature cited by the submitters: PubMed 10521298 (cited by Leiden Open Variation Database); PubMed 31432501 (cited by Leiden Open Variation Database).